The following is an entry in ClinVar:

ClinVar aggregate classification (germline): Likely benign (1 of 4 stars; one submission).

Submission:

CeGaT Center for Human Genetics Tuebingen
Classification: Likely benign. Last evaluated: 2022-10-01. Review status: criteria provided, single submitter. Criteria: CeGaT Center For Human Genetics Tuebingen Variant Classification Criteria Version 2. Collection method: clinical testing. Allele origin: germline. Affected: yes. Observed: 1 variant allele.
Comment: AP3B2: PM2:Supporting, BP4, BP7

NM_001278512.2(AP3B2):c.113+9745G>A

Gene: AP3B2 (adaptor related protein complex 3 subunit beta 2; minus strand). Cytogenetic location: 15q25.2.
Variant type: single nucleotide variant.
Coding change: c.113+9745G>A on transcript NM_001278512.2 (MANE Select); 9745 bases into the intron after coding-DNA position 113, G replaced by A.
Molecular consequence: intron variant.
Genome position (GRCh38, 1-based): chr15:82,699,849, C>T on the plus strand (G>A on the coding strand, the complement: AP3B2 is on the minus strand). VCF-style: chr15-82699849-C-T. GRCh37 (hg19) VCF-style: chr15-83368601-C-T.
Other names: c.113+9745G>A (NM_001278511.2, NM_004644.5, NM_001348440.2).
Identifiers: ClinVar variation 2645641 (VCV002645641.24), dbSNP rs2048690676, ClinGen allele CA2191499872.